The following is an entry in ClinVar:

NM_001042492.3(NF1):c.397del (p.Glu133fs)

Gene: NF1 (neurofibromin 1; plus strand). Cytogenetic location: 17q11.2.
Variant type: Deletion.
Coding change: c.397del on transcript NM_001042492.3 (MANE Select); coding-DNA position 397, one base deleted (G; older notation c.397delG).
Protein change: p.Glu133fs; shifts the reading frame from glutamic acid 133.
Molecular consequence: frameshift variant.
Genome position (GRCh38, 1-based): chr17:31,163,294, G deleted. VCF-style (leftmost placement, unchanged base first): chr17-31163293-TG-T. GRCh37 (hg19) VCF-style: chr17-29490311-TG-T.
Other names: c.397delG (NM_000267.3); c.397delG, p.Glu133Asnfs (NM_000267.4); c.397del, p.Glu133fs (NM_001128147.3); short protein forms E133fs.
Identifiers: ClinVar variation 237559 (VCV000237559.7), dbSNP rs878853891, ClinGen allele CA10583462.

ClinVar aggregate classification (germline): Pathogenic (1 of 4 stars; one submission).

Conditions:
Neurofibromatosis, type 1 (NF1). Also called: VON RECKLINGHAUSEN DISEASE; NEUROFIBROMATOSIS, TYPE I, SOMATIC; Peripheral type neurofibromatosis; Neurofibromatosis, type I. Identifiers: Orphanet 636, MedGen C0027831, MONDO:0018975, OMIM 162200. Disease mechanism: loss of function.

Submission:

Labcorp Genetics (formerly Invitae), Labcorp
Classification: Pathogenic for Neurofibromatosis, type 1. Last evaluated: 2024-07-17. Review status: criteria provided, single submitter. Criteria: Invitae Variant Classification Sherloc (09022015). Collection method: clinical testing. Allele origin: germline.
Comment: This sequence change creates a premature translational stop signal (p.Glu133Asnfs*32) in the NF1 gene. It is expected to result in an absent or disrupted protein product. Loss-of-function variants in NF1 are known to be pathogenic (PMID: 10712197, 23913538). This variant is not present in population databases (gnomAD no frequency). This variant has not been reported in the literature in individuals affected with NF1-related conditions. ClinVar contains an entry for this variant (Variation ID: 237559). For these reasons, this variant has been classified as Pathogenic.

Literature cited by the submitters: PubMed 10712197; PubMed 23913538.